The following is an entry in ClinVar:

NM_000553.6(WRN):c.546del (p.Lys182fs)

Gene: WRN (WRN RecQ like helicase; plus strand). Cytogenetic location: 8p12.
Variant type: Deletion.
Coding change: c.546del on transcript NM_000553.6 (MANE Select); coding-DNA position 546, one base deleted (A; older notation c.546delA).
Protein change: p.Lys182fs; shifts the reading frame from lysine 182.
Molecular consequence: frameshift variant.
Genome position (GRCh38, 1-based): chr8:31,067,074, A deleted; the last of 3 consecutive A bases (chr8:31,067,072-31,067,074); deleting any one gives the same sequence. VCF-style (leftmost placement, unchanged base first): chr8-31067071-TA-T. GRCh37 (hg19) VCF-style: chr8-30924587-TA-T.
Other names: short protein forms K182fs.
Identifiers: ClinVar variation 2729032 (VCV002729032.3), dbSNP rs2535887119, ClinGen allele CA2572430986.

ClinVar aggregate classification (germline): Pathogenic (1 of 4 stars; one submission).

Conditions:
Werner syndrome (WRN). Identifiers: Orphanet 902, MedGen C0043119, MONDO:0010196, OMIM 277700.

Submission:

Labcorp Genetics (formerly Invitae), Labcorp
Classification: Pathogenic for Werner syndrome. Last evaluated: 2023-04-25. Review status: criteria provided, single submitter. Criteria: Invitae Variant Classification Sherloc (09022015). Collection method: clinical testing. Allele origin: germline.
Comment: For these reasons, this variant has been classified as Pathogenic. Algorithms developed to predict the effect of sequence changes on RNA splicing suggest that this variant may create or strengthen a splice site. This variant has not been reported in the literature in individuals affected with WRN-related conditions. This variant is not present in population databases (gnomAD no frequency). This sequence change creates a premature translational stop signal (p.Lys182Asnfs*4) in the WRN gene. It is expected to result in an absent or disrupted protein product. Loss-of-function variants in WRN are known to be pathogenic (PMID: 16673358).

Literature cited by the submitters: PubMed 16673358.